The following is an entry in ClinVar:

ClinVar aggregate classification (germline): Likely benign. Review status: criteria provided, multiple submitters, no conflicts (2 of 4 stars). 4 submissions from 4 submitters: Likely benign (2). 2 of the submissions do not count toward it. Last evaluated 2025-09-15.

Conditions:
Progressive familial intrahepatic cholestasis type 2. Identifiers: Orphanet 79304, MedGen C3489789, MONDO:0011156, OMIM 601847.
ABCB11-related disorder. Also called: ABCB11-related condition.

Allele frequency attached by ClinVar (database versions not stated): ExAC 0.00001; TOPMed 0.00002; gnomAD 0.00003.
gnomAD v4.1: 28 of 1,610,066 alleles (0.0017%); highest among the groups gnomAD compares: Middle Eastern, 0.016%; no homozygotes.

Submissions (4):

Labcorp Genetics (formerly Invitae), Labcorp
Classification: Likely benign. Last evaluated: 2025-09-15. Review status: criteria provided, single submitter. Criteria: Invitae Variant Classification Sherloc (09022015). Collection method: clinical testing. Allele origin: germline.

Laboratory of Genetics, Children's Clinical University Hospital Latvia
Classification: Likely benign. Last evaluated: 2025-02-16. Review status: criteria provided, single submitter. Criteria: ACMG Guidelines, 2015. Collection method: clinical testing. Allele origin: germline. Affected: yes.

PreventionGenetics, part of Exact Sciences
Classification: Likely benign for ABCB11-related condition. Last evaluated: 2024-09-13. Review status: no assertion criteria provided. Collection method: clinical testing. Allele origin: germline. Not counted in ClinVar's aggregate classification.
Comment: This variant is classified as likely benign based on ACMG/AMP sequence variant interpretation guidelines (Richards et al. 2015 PMID: 25741868, with internal and published modifications).

Natera, Inc.
Classification: Uncertain significance for Progressive familial intrahepatic cholestasis type 2. Last evaluated: 2020-02-13. Review status: no assertion criteria provided. Collection method: clinical testing. Allele origin: germline. Not counted in ClinVar's aggregate classification.

NM_003742.4(ABCB11):c.1639-4C>T

Gene: ABCB11 (ATP binding cassette subfamily B member 11; minus strand). Cytogenetic location: 2q31.1.
Variant type: single nucleotide variant.
Coding change: c.1639-4C>T on transcript NM_003742.4 (MANE Select); 4 bases into the intron before coding-DNA position 1639, C replaced by T.
Molecular consequence: intron variant.
Genome position (GRCh38, 1-based): chr2:168,970,219, G>A on the plus strand (C>T on the coding strand, the complement: ABCB11 is on the minus strand). VCF-style: chr2-168970219-G-A. GRCh37 (hg19) VCF-style: chr2-169826729-G-A.
Identifiers: ClinVar variation 734674 (VCV000734674.13), dbSNP rs780324076, ClinGen allele CA1951487.